The following is an entry in ClinVar:

ClinVar aggregate classification (germline): Likely benign. Review status: criteria provided, single submitter (1 of 4 stars). 2 submissions from 2 submitters: Likely benign (1). 1 of the submissions does not count toward it. Last evaluated 2025-10-21.

Conditions:
WDR45-related disorder. Also called: WDR45-related condition.
Neurodegeneration with brain iron accumulation 5 (NBIA5). Also called: STATIC ENCEPHALOPATHY OF CHILDHOOD WITH NEURODEGENERATION IN ADULTHOOD; Beta-propeller protein-associated neurodegeneration. Identifiers: Orphanet 329284, MedGen C3550973, MONDO:0010476, OMIM 300894.

Allele frequency attached by ClinVar (database versions not stated): ExAC 0.00001; gnomAD 0.00001; TOPMed 0.00001; gnomAD exomes 0.00004.
gnomAD v4.1: 45 of 1,210,766 alleles (0.0037%); highest among the groups gnomAD compares: Non-Finnish European, 0.0045%; no homozygotes.

Submissions (2):

Labcorp Genetics (formerly Invitae), Labcorp
Classification: Likely benign for Neurodegeneration with brain iron accumulation 5. Last evaluated: 2025-10-21. Review status: criteria provided, single submitter. Criteria: Invitae Variant Classification Sherloc (09022015). Collection method: clinical testing. Allele origin: germline.

PreventionGenetics, part of Exact Sciences
Classification: Likely benign for WDR45-related condition. Last evaluated: 2024-01-03. Review status: no assertion criteria provided. Collection method: clinical testing. Allele origin: germline. Not counted in ClinVar's aggregate classification.
Comment: This variant is classified as likely benign based on ACMG/AMP sequence variant interpretation guidelines (Richards et al. 2015 PMID: 25741868, with internal and published modifications).

NM_001029896.2(WDR45):c.957C>T (p.Asn319=)

Gene: WDR45 (WD repeat domain 45; minus strand). Cytogenetic location: Xp11.23.
Variant type: single nucleotide variant.
Coding change: c.957C>T on transcript NM_001029896.2 (MANE Select); coding-DNA position 957, C replaced by T.
Protein change: p.Asn319=; no amino-acid change (asparagine 319 retained).
Molecular consequence: synonymous variant.
Genome position (GRCh38, 1-based): chrX:49,075,152, G>A on the plus strand (C>T on the coding strand, the complement: WDR45 is on the minus strand). VCF-style: chrX-49075152-G-A. GRCh37 (hg19) VCF-style: chrX-48932811-G-A.
Other names: c.960C>T, p.Asn320= (NM_007075.4); c.960C>T (NM_007075.3).
Identifiers: ClinVar variation 2713079 (VCV002713079.5), dbSNP rs782147492, ClinGen allele CA10408445.